The following is an entry in ClinVar:

NM_000214.3(JAG1):c.1815_1821delinsAGG (p.Cys605_Ser607delinsTer)

Gene: JAG1 (jagged canonical Notch ligand 1; minus strand). Cytogenetic location: 20p12.2.
Variant type: Indel.
Coding change: c.1815_1821delinsAGG on transcript NM_000214.3 (MANE Select); coding-DNA positions 1815 to 1821, CAAGAGT replaced by AGG.
Protein change: p.Cys605_Ser607delinsTer.
Molecular consequence: nonsense.
Genome position (GRCh38, 1-based): chr20:10,647,003-10,647,009, ACTCTTG replaced by CCT on the plus strand (CAAGAGT replaced by AGG on the coding strand, the reverse complement: JAG1 is on the minus strand). VCF-style: chr20-10647003-ACTCTTG-CCT. GRCh37 (hg19) VCF-style: chr20-10627651-ACTCTTG-CCT.
Other names: c.1815_1821delCAAGAGTinsAGG (NM_000214.3).
Identifiers: ClinVar variation 3367133 (VCV003367133.1).

ClinVar aggregate classification (germline): Likely pathogenic (1 of 4 stars; one submission).

Conditions:
Alagille syndrome due to a JAG1 point mutation. Also called: HEPATIC DUCTULAR HYPOPLASIA, SYNDROMATIC; Alagille Syndrome 1; JAG1-Related Alagille Syndrome. Identifiers: Orphanet 261619, Orphanet 52, MedGen C1956125, MONDO:0016862, OMIM 118450.

Submission:

Neuberg Centre For Genomic Medicine, NCGM
Classification: Likely pathogenic for Alagille syndrome due to a JAG1 point mutation. Last evaluated: 2023-05-20. Review status: criteria provided, single submitter. Criteria: ACMG Guidelines, 2015. Collection method: clinical testing. Allele origin: germline. Inheritance: Autosomal dominant inheritance. Affected: yes.
Comment: The observed deletion insertion variant c.1815_1821delCAAGAGTinsAGG (p.Cys605Ter) in JAG1 gene has not been reported previously as a pathogenic variant nor as a benign variant, to our knowledge. The c.1815_1821delCAAGAGTinsAGG variant is absent in gnomAD Exomes. The reference amino acid in JAG1 is predicted as conserved by GERP++ and PhyloP across 100 vertebrates. This variant causes a frameshift starting with codon Cysteine 605, and creates a premature Stop codon of the new reading frame, denoted p.Cys605Ter. Multiple lines of computational evidence (Polyphen, SIFT and Mutation Taster) predict a damaging effect on protein structure and function for this variant. This variant is predicted to cause loss of normal protein function through protein truncation. Loss of function variants have been previously reported to be disease causing (Colliton RP, et al., 2001). For these reasons, this variant has been classified as Likely Pathogenic.